The following is an entry in ClinVar:

ClinVar aggregate classification (germline): Uncertain significance. Review status: criteria provided, multiple submitters, no conflicts (2 of 4 stars). 3 submissions from 3 submitters: Uncertain significance (3). Last evaluated 2025-09-29.

Conditions:
Epidermolysis bullosa simplex, Ogna type (EBS5A). Also called: Pidermolysis bullosa simplex 5A, Ogna type; EPIDERMOLYSIS BULLOSA SIMPLEX 5A, OGNA TYPE. Identifiers: Orphanet 79401, MedGen C0432317, MONDO:0007555, OMIM 131950.
Epidermolysis bullosa simplex 5C, with pyloric atresia (EBS5C). Also called: PLEC1-Related Epidermolysis Bullosa with Pyloric Atresia; PLEC-Related Epidermolysis Bullosa with Pyloric Atresia; Epidermolysis bullosa simplex with pyloric atresia. Identifiers: Orphanet 158684, MedGen C2677349, MONDO:0012807, OMIM 612138.
Autosomal recessive limb-girdle muscular dystrophy type 2Q (LGMDR17). Also called: MUSCULAR DYSTROPHY, LIMB-GIRDLE, AUTOSOMAL RECESSIVE 17. Identifiers: Orphanet 254361, MedGen C3150989, MONDO:0013390, OMIM 613723.
Epidermolysis bullosa simplex with nail dystrophy (EBS5D). Identifiers: MedGen C4225309, MONDO:0014661, OMIM 616487.
Epidermolysis bullosa simplex 5B, with muscular dystrophy (EBS5B). Also called: EPIDERMOLYSIS BULLOSA SIMPLEX AND LIMB-GIRDLE MUSCULAR DYSTROPHY; Epidermolysis bullosa simplex with muscular dystrophy. Identifiers: Orphanet 257, MedGen C2931072, MONDO:0009181, OMIM 226670.

Allele frequency attached by ClinVar (database versions not stated): gnomAD 0.00017 and 0.00019; TOPMed 0.00017; gnomAD exomes 0.00018; ExAC 0.00021; ESP Exome Variant Server 0.00032.
gnomAD v4.1: 253 of 1,613,778 alleles (0.016%); highest among the groups gnomAD compares: South Asian, 0.069%; 1 homozygote.

Submissions (3):

Labcorp Genetics (formerly Invitae), Labcorp
Classification: Uncertain significance for Autosomal recessive limb-girdle muscular dystrophy type 2Q; Epidermolysis bullosa simplex, Ogna type; Epidermolysis bullosa simplex with nail dystrophy; Epidermolysis bullosa simplex 5C, with pyloric atresia; Epidermolysis bullosa simplex 5B, with muscular dystrophy. Last evaluated: 2025-09-29. Review status: criteria provided, single submitter. Criteria: Invitae Variant Classification Sherloc (09022015). Collection method: clinical testing. Allele origin: germline.
Comment: This sequence change replaces valine, which is neutral and non-polar, with methionine, which is neutral and non-polar, at codon 3558 of the PLEC protein (p.Val3558Met). This variant is present in population databases (rs201273543, gnomAD 0.07%). This variant has not been reported in the literature in individuals affected with PLEC-related conditions. ClinVar contains an entry for this variant (Variation ID: 954800). Invitae Evidence Modeling of protein sequence and biophysical properties (such as structural, functional, and spatial information, amino acid conservation, physicochemical variation, residue mobility, and thermodynamic stability) has been performed for this missense variant. However, the output from this modeling did not meet the statistical confidence thresholds required to predict the impact of this variant on PLEC protein function. In summary, the available evidence is currently insufficient to determine the role of this variant in disease. Therefore, it has been classified as a Variant of Uncertain Significance.

Revvity Omics, Revvity
Classification: Uncertain significance. Last evaluated: 2024-09-20. Review status: criteria provided, single submitter. Criteria: ACMG Guidelines, 2015. Collection method: clinical testing. Allele origin: germline.

Blueprint Genetics
Classification: Uncertain significance. Last evaluated: 2024-03-08. Review status: criteria provided, single submitter. Criteria: ACMG Guidelines, 2015. Collection method: clinical testing. Allele origin: germline.

NM_201384.3(PLEC):c.10591G>A (p.Val3531Met)

Gene: PLEC (plectin; minus strand). Cytogenetic location: 8q24.3.
Variant type: single nucleotide variant.
Coding change: c.10591G>A on transcript NM_201384.3 (MANE Select); coding-DNA position 10591, G replaced by A.
Protein change: p.Val3531Met; replaces valine 3531 with methionine.
Molecular consequence: missense variant.
Genome position (GRCh38, 1-based): chr8:143,919,230, C>T on the plus strand (G>A on the coding strand, the complement: PLEC is on the minus strand). VCF-style: chr8-143919230-C-T. GRCh37 (hg19) VCF-style: chr8-144993398-C-T.
Other names: c.10672G>A, p.Val3558Met (NM_000445.5); c.10549G>A, p.Val3517Met (NM_201378.4); c.10525G>A, p.Val3509Met (NM_201379.3); c.11002G>A, p.Val3668Met (NM_201380.4); c.10495G>A, p.Val3499Met (NM_201381.3); c.10591G>A, p.Val3531Met (NM_201382.4); c.10603G>A, p.Val3535Met (NM_201383.3); short protein forms V3517M, V3499M, V3509M, V3531M, V3535M, V3558M, V3668M.
Identifiers: ClinVar variation 954800 (VCV000954800.13), dbSNP rs201273543, ClinGen allele CA4924597.